The following is an entry in ClinVar:

ClinVar aggregate classification (germline): Conflicting classifications of pathogenicity. Review status: criteria provided, conflicting classifications (1 of 4 stars). 7 submissions from 7 submitters: Uncertain significance (5); Benign (1); Likely benign (1). Last evaluated 2025-12-30.

Conditions:
Classic or attenuated familial adenomatous polyposis. Identifiers: MedGen CN372698, MONDO:0021057.
Hereditary cancer-predisposing syndrome. Also called: Hereditary neoplastic syndrome; Neoplastic Syndromes, Hereditary; Hereditary Cancer Syndrome; Tumor predisposition. Identifiers: Orphanet 140162, MedGen C0027672, MeSH D009386, MONDO:0015356.
Familial adenomatous polyposis 1 (FAP1). Also called: POLYPOSIS, ADENOMATOUS INTESTINAL; FAMILIAL ADENOMATOUS POLYPOSIS 1, ATTENUATED. Identifiers: MedGen C2713442, MONDO:0021056, OMIM 175100. Disease mechanism: loss of function.

Allele frequency attached by ClinVar (database versions not stated): TOPMed 0.00002; gnomAD exomes 0.00006 and 0.00002; ExAC 0.00007.
gnomAD v4.1: 16 of 1,613,438 alleles (0.00099%); highest among the groups gnomAD compares: Admixed American, 0.017%; no homozygotes.

Submissions (7):

Labcorp Genetics (formerly Invitae), Labcorp
Classification: Uncertain significance for Familial adenomatous polyposis 1. Last evaluated: 2025-12-30. Review status: criteria provided, single submitter. Criteria: Invitae Variant Classification Sherloc (09022015). Collection method: clinical testing. Allele origin: germline.
Comment: This sequence change replaces histidine, which is basic and polar, with arginine, which is basic and polar, at codon 2526 of the APC protein (p.His2526Arg). This variant is present in population databases (rs750012595, gnomAD 0.02%). This variant has not been reported in the literature in individuals affected with APC-related conditions. ClinVar contains an entry for this variant (Variation ID: 219895). Invitae Evidence Modeling of protein sequence and biophysical properties (such as structural, functional, and spatial information, amino acid conservation, physicochemical variation, residue mobility, and thermodynamic stability) indicates that this missense variant is not expected to disrupt APC protein function with a negative predictive value of 95%. In summary, the available evidence is currently insufficient to determine the role of this variant in disease. Therefore, it has been classified as a Variant of Uncertain Significance.

Dasa
Classification: Likely benign. Last evaluated: 2025-04-18. Review status: criteria provided, single submitter. Criteria: DASA Assertion Criteria. Collection method: clinical testing. Allele origin: germline.
Comment: NM_000038.6(APC):c.7577A>G (p.His2526Arg) is a missense variant that results in the substitution of histidine with arginine. Based on the available data, this variant is classified as likely benign.

All of Us Research Program, National Institutes of Health
Classification: Uncertain significance for Classic or attenuated familial adenomatous polyposis. Last evaluated: 2024-06-11. Review status: criteria provided, single submitter. Criteria: ACMG Guidelines, 2015. Collection method: clinical testing. Allele origin: germline. Inheritance: Autosomal dominant inheritance. Observed: 2 variant alleles, 2 heterozygotes.
Comment: This missense variant replaces histidine with arginine at codon 2526 of the APC protein. Computational prediction is inconclusive regarding the impact of this variant on protein structure and function (internally defined REVEL score threshold 0.5 < inconclusive < 0.7, PMID: 27666373). To our knowledge, functional studies have not been reported for this variant. This variant has not been reported in individuals affected with APC-related disorders in the literature. This variant has been identified in 16/250822 chromosomes in the general population by the Genome Aggregation Database (gnomAD). The available evidence is insufficient to determine the role of this variant in disease conclusively. Therefore, this variant is classified as a Variant of Uncertain Significance.

This study involves interpretation of variants in research participants for the purpose of population health screening. Participant phenotype was not available at the time of variant classification. Additional details can be found in publication PMID: 35346344, PMCID: PMC8962531

Color Diagnostics, LLC DBA Color Health
Classification: Uncertain significance for Hereditary cancer-predisposing syndrome. Last evaluated: 2024-03-06. Review status: criteria provided, single submitter. Criteria: ACMG Guidelines, 2015. Collection method: clinical testing. Allele origin: germline.
Comment: This missense variant replaces histidine with arginine at codon 2526 of the APC protein. Computational prediction is inconclusive regarding the impact of this variant on protein structure and function (internally defined REVEL score threshold 0.5 < inconclusive < 0.7, PMID: 27666373). To our knowledge, functional studies have not been reported for this variant. This variant has not been reported in individuals affected with APC-related disorders in the literature. This variant has been identified in 16/250822 chromosomes in the general population by the Genome Aggregation Database (gnomAD). The available evidence is insufficient to determine the role of this variant in disease conclusively. Therefore, this variant is classified as a Variant of Uncertain Significance.

GeneDx
Classification: Uncertain significance. Last evaluated: 2022-12-16. Review status: criteria provided, single submitter. Criteria: GeneDx Variant Classification Process June 2021. Collection method: clinical testing. Allele origin: germline. Affected: yes.
Comment: In silico analysis supports that this missense variant does not alter protein structure/function; Has not been previously published as pathogenic or benign to our knowledge

Ambry Genetics
Classification: Benign for Hereditary cancer-predisposing syndrome. Last evaluated: 2021-10-15. Review status: criteria provided, single submitter. Criteria: Ambry Variant Classification Scheme 2023. Collection method: clinical testing. Allele origin: germline.

Mendelics
Classification: Uncertain significance for Familial adenomatous polyposis 1. Last evaluated: 2018-07-02. Review status: criteria provided, single submitter. Criteria: Mendelics Assertion Criteria 2017. Collection method: clinical testing. Allele origin: unknown.

NM_000038.6(APC):c.7577A>G (p.His2526Arg)

Gene: APC (APC regulator of Wnt signaling pathway; plus strand). Cytogenetic location: 5q22.2.
Variant type: single nucleotide variant.
Coding change: c.7577A>G on transcript NM_000038.6 (MANE Select); coding-DNA position 7577, A replaced by G.
Protein change: p.His2526Arg; replaces histidine 2526 with arginine.
Molecular consequence: missense variant.
Genome position (GRCh38, 1-based): chr5:112,843,171, A>G. VCF-style: chr5-112843171-A-G. GRCh37 (hg19) VCF-style: chr5-112178868-A-G.
Other names: c.7577A>G, p.His2526Arg (NM_001127510.3, NM_001354895.2); c.7523A>G, p.His2508Arg (NM_001127511.3); c.7631A>G, p.His2544Arg (NM_001354896.2); c.7607A>G, p.His2536Arg (NM_001354897.2); c.7502A>G, p.His2501Arg (NM_001354898.2); c.7493A>G, p.His2498Arg (NM_001354899.2); c.7454A>G, p.His2485Arg (NM_001354900.2); c.7400A>G, p.His2467Arg (NM_001354901.2); and 5 more; short protein forms H2508R, H2526R, H2243R, H2501R, H2536R, H2366R, H2400R, H2425R.
Identifiers: ClinVar variation 219895 (VCV000219895.26), dbSNP rs750012595, ClinGen allele CA048553.